The following is an entry in ClinVar:

ClinVar aggregate classification (germline): Benign. Review status: criteria provided, multiple submitters, no conflicts (2 of 4 stars). 4 submissions from 4 submitters: Benign (3). 1 of the submissions does not count toward it. Last evaluated 2026-01-12.

Conditions:
Inborn genetic diseases. Identifiers: MedGen C0950123, MeSH D030342.
CHD8-related disorder. Also called: CHD8-related disorders; CHD8-related condition.

Allele frequency attached by ClinVar (database versions not stated): gnomAD 0.00028 and 0.00033; gnomAD exomes 0.00028 and 0.00081; 1000 Genomes Project 0.00040; TOPMed 0.00044; 1000 Genomes Project 30x 0.00047; ExAC 0.00110.
gnomAD v4.1: 452 of 1,611,542 alleles (0.028%); highest among the groups gnomAD compares: East Asian, 0.97%; 2 homozygotes.

Submissions (4):

Labcorp Genetics (formerly Invitae), Labcorp
Classification: Benign. Last evaluated: 2026-01-12. Review status: criteria provided, single submitter. Criteria: Invitae Variant Classification Sherloc (09022015). Collection method: clinical testing. Allele origin: germline.

Ambry Genetics
Classification: Benign for Inborn genetic diseases. Last evaluated: 2018-11-24. Review status: criteria provided, single submitter. Criteria: Ambry Variant Classification Scheme 2023. Collection method: clinical testing. Allele origin: germline.

Eurofins Ntd Llc (ga)
Classification: Benign. Last evaluated: 2015-04-28. Review status: criteria provided, single submitter. Criteria: EGL Classification Definitions 2015. Collection method: clinical testing. Allele origin: germline. Observed: 1 variant allele, 1 heterozygote.

PreventionGenetics, part of Exact Sciences
Classification: Likely benign for CHD8-related condition. Last evaluated: 2023-12-18. Review status: no assertion criteria provided. Collection method: clinical testing. Allele origin: germline. Not counted in ClinVar's aggregate classification.
Comment: This variant is classified as likely benign based on ACMG/AMP sequence variant interpretation guidelines (Richards et al. 2015 PMID: 25741868, with internal and published modifications).

NM_001170629.2(CHD8):c.6232C>T (p.Leu2078=)

Gene: CHD8 (chromodomain helicase DNA binding protein 8; minus strand). Cytogenetic location: 14q11.2.
Variant type: single nucleotide variant.
Coding change: c.6232C>T on transcript NM_001170629.2 (MANE Select); coding-DNA position 6232, C replaced by T.
Protein change: p.Leu2078=; no amino-acid change (leucine 2078 retained).
Molecular consequence: synonymous variant.
Genome position (GRCh38, 1-based): chr14:21,393,563, G>A on the plus strand (C>T on the coding strand, the complement: CHD8 is on the minus strand). VCF-style: chr14-21393563-G-A. GRCh37 (hg19) VCF-style: chr14-21861722-G-A.
Other names: c.5395C>T, p.Leu1799= (NM_020920.4).
Identifiers: ClinVar variation 196672 (VCV000196672.13), dbSNP rs188900504, ClinGen allele CA202499.